The following is an entry in ClinVar:

NM_000784.4(CYP27A1):c.104T>C (p.Leu35Pro)

Gene: CYP27A1 (cytochrome P450 family 27 subfamily A member 1; plus strand). Cytogenetic location: 2q35.
Variant type: single nucleotide variant.
Coding change: c.104T>C on transcript NM_000784.4 (MANE Select); coding-DNA position 104, T replaced by C.
Protein change: p.Leu35Pro; replaces leucine 35 with proline.
Molecular consequence: missense variant.
Genome position (GRCh38, 1-based): chr2:218,782,286, T>C. VCF-style: chr2-218782286-T-C. GRCh37 (hg19) VCF-style: chr2-219647009-T-C.
Other names: short protein forms L35P.
Identifiers: ClinVar variation 1486792 (VCV001486792.6), dbSNP rs2106479125, ClinGen allele CA350575977.
Genomic context (GRCh38, chr2:218,782,286, plus strand): 5'-GGGCCGGCCGTGGCCTCTGCCCCCACGGGGCCAGAGCCAAGGCCGCGATCCCTGCCGCCC[T>C]CCCCTCGGACAAGGCCACCGGAGCTCCCGGAGCCGGGCCTGGTGTCCGGCGGCGGCAACG-3'
Protein context (NP_000775.1, residues 25-45): ARAKAAIPAA[Leu35Pro]PSDKATGAPG

ClinVar aggregate classification (germline): Uncertain significance (1 of 4 stars; one submission).

Conditions:
Cholestanol storage disease (CTX). Also called: Cerebrotendinous Xanthomatosis; CEREBRAL CHOLESTERINOSIS; CTX: Cerebrotendinous xanthomatosis. Identifiers: Orphanet 909, MedGen C0238052, MONDO:0008948, OMIM 213700.

Submission:

Labcorp Genetics (formerly Invitae), Labcorp
Classification: Uncertain significance for Cholestanol storage disease. Last evaluated: 2021-08-08. Review status: criteria provided, single submitter. Criteria: Invitae Variant Classification Sherloc (09022015). Collection method: clinical testing. Allele origin: germline.
Comment: This variant has not been reported in the literature in individuals affected with CYP27A1-related conditions. This variant is not present in population databases (ExAC no frequency). This sequence change replaces leucine with proline at codon 35 of the CYP27A1 protein (p.Leu35Pro). The leucine residue is moderately conserved and there is a moderate physicochemical difference between leucine and proline. Algorithms developed to predict the effect of missense changes on protein structure and function are either unavailable or do not agree on the potential impact of this missense change (SIFT: "Deleterious"; PolyPhen-2: "Possibly Damaging"; Align-GVGD: "Class C0"). In summary, the available evidence is currently insufficient to determine the role of this variant in disease. Therefore, it has been classified as a Variant of Uncertain Significance.